The following is an entry in ClinVar:

NM_024537.4(CARS2):c.107G>T (p.Gly36Val)

Genes: CARS2 (cysteinyl-tRNA synthetase 2, mitochondrial; minus strand), LOC130010127 (ATAC-STARR-seq lymphoblastoid silent region 5509; plus strand). Cytogenetic location: 13q34.
Variant type: single nucleotide variant.
Coding change: c.107G>T on transcript NM_024537.4 (MANE Select); coding-DNA position 107, G replaced by T.
Protein change: p.Gly36Val; replaces glycine 36 with valine.
Molecular consequence: missense variant. On other transcripts: non-coding transcript variant (1), intron variant (1).
Genome position (GRCh38, 1-based): chr13:110,705,987, C>A on the plus strand (G>T on the coding strand, the complement: CARS2 is on the minus strand). VCF-style: chr13-110705987-C-A. GRCh37 (hg19) VCF-style: chr13-111358334-C-A.
Other names: c.107G>T, p.Gly36Val (NM_001352253.3); c.-776+384G>T (NM_001352252.2); short protein forms G36V.
Identifiers: ClinVar variation 1987692 (VCV001987692.4), dbSNP rs1271844931, ClinGen allele CA388743303.

ClinVar aggregate classification (germline): Uncertain significance (1 of 4 stars; one submission).

Conditions:
Combined oxidative phosphorylation defect type 27. Also called: Combined oxidative phosphorylation deficiency 27. Identifiers: Orphanet 477774, MedGen C5567608, MONDO:0014728, OMIM 616672.

gnomAD v4.1: 4 of 1,504,766 alleles (0.00027%); highest among the groups gnomAD compares: Admixed American, 0.0021%; no homozygotes.

Submission:

Labcorp Genetics (formerly Invitae), Labcorp
Classification: Uncertain significance for Combined oxidative phosphorylation defect type 27. Last evaluated: 2022-07-27. Review status: criteria provided, single submitter. Criteria: Invitae Variant Classification Sherloc (09022015). Collection method: clinical testing. Allele origin: germline.
Comment: This sequence change replaces glycine, which is neutral and non-polar, with valine, which is neutral and non-polar, at codon 36 of the CARS2 protein (p.Gly36Val). The frequency data for this variant in the population databases is considered unreliable, as metrics indicate poor data quality at this position in the gnomAD database. This variant has not been reported in the literature in individuals affected with CARS2-related conditions. Algorithms developed to predict the effect of missense changes on protein structure and function output the following: SIFT: "Tolerated"; PolyPhen-2: "Probably Damaging"; Align-GVGD: "Class C0". The valine amino acid residue is found in multiple mammalian species, which suggests that this missense change does not adversely affect protein function. In summary, the available evidence is currently insufficient to determine the role of this variant in disease. Therefore, it has been classified as a Variant of Uncertain Significance.